The following is an entry in ClinVar:

ClinVar aggregate classification (germline): Pathogenic (1 of 4 stars; one submission).

Submission:

GeneDx
Classification: Pathogenic. Last evaluated: 2018-10-01. Review status: criteria provided, single submitter. Criteria: GeneDx Variant Classification (06012015). Collection method: clinical testing. Allele origin: germline. Affected: yes.
Comment: The S592R variant in the NALCN gene has not been reported previously as a pathogenic variant nor as a benign variant, to our knowledge. The S592R variant is not observed in large population cohorts (Lek et al., 2016). The S592R variant is a semi-conservative amino acid substitution, which may impact secondary protein structure as these residues differ in some properties. This substitution is predicted to be located within transmembrane segment S6 in the 2nd homologous domain. In-silico analyses, including protein predictors and evolutionary conservation, support a deleterious effect. We interpret S592R as a pathogenic variant.

NM_052867.4(NALCN):c.1776T>G (p.Ser592Arg)

Gene: NALCN (sodium leak channel, non-selective; minus strand). Cytogenetic location: 13q33.1.
Variant type: single nucleotide variant.
Coding change: c.1776T>G on transcript NM_052867.4 (MANE Select); coding-DNA position 1776, T replaced by G.
Protein change: p.Ser592Arg; replaces serine 592 with arginine.
Molecular consequence: missense variant.
Genome position (GRCh38, 1-based): chr13:101,176,363, A>C on the plus strand (T>G on the coding strand, the complement: NALCN is on the minus strand). VCF-style: chr13-101176363-A-C. GRCh37 (hg19) VCF-style: chr13-101828714-A-C.
Other names: c.1776T>G, p.Ser592Arg (NM_001350748.2, NM_001350749.2); c.1689T>G, p.Ser563Arg (NM_001350750.2, NM_001350751.2); short protein forms S592R, S563R.
Identifiers: ClinVar variation 421882 (VCV000421882.2), dbSNP rs1064795423, ClinGen allele CA16619608.